The following is an entry in ClinVar:

ClinVar aggregate classification (germline): Uncertain significance. Review status: criteria provided, multiple submitters, no conflicts (2 of 4 stars). 2 submissions from 2 submitters: Uncertain significance (2). Last evaluated 2025-01-16.

Conditions:
Inborn genetic diseases. Identifiers: MedGen C0950123, MeSH D030342.

Submissions (2):

Ambry Genetics
Classification: Uncertain significance for Inborn genetic diseases. Last evaluated: 2025-01-16. Review status: criteria provided, single submitter. Criteria: Ambry Variant Classification Scheme 2023. Collection method: clinical testing. Allele origin: germline.

Labcorp Genetics (formerly Invitae), Labcorp
Classification: Uncertain significance. Last evaluated: 2024-05-06. Review status: criteria provided, single submitter. Criteria: Invitae Variant Classification Sherloc (09022015). Collection method: clinical testing. Allele origin: germline.
Comment: This sequence change replaces valine, which is neutral and non-polar, with aspartic acid, which is acidic and polar, at codon 211 of the PGAP3 protein (p.Val211Asp). This variant is not present in population databases (gnomAD no frequency). This variant has not been reported in the literature in individuals affected with PGAP3-related conditions. Advanced modeling of protein sequence and biophysical properties (such as structural, functional, and spatial information, amino acid conservation, physicochemical variation, residue mobility, and thermodynamic stability) has been performed at Invitae for this missense variant, however the output from this modeling did not meet the statistical confidence thresholds required to predict the impact of this variant on PGAP3 protein function. In summary, the available evidence is currently insufficient to determine the role of this variant in disease. Therefore, it has been classified as a Variant of Uncertain Significance.

NM_033419.5(PGAP3):c.632T>A (p.Val211Asp)

Gene: PGAP3 (post-GPI attachment to proteins phospholipase 3; minus strand). Cytogenetic location: 17q12.
Variant type: single nucleotide variant.
Coding change: c.632T>A on transcript NM_033419.5 (MANE Select); coding-DNA position 632, T replaced by A.
Protein change: p.Val211Asp; replaces valine 211 with aspartic acid.
Molecular consequence: missense variant. On other transcripts: intron variant (3).
Genome position (GRCh38, 1-based): chr17:39,673,576, A>T on the plus strand (T>A on the coding strand, the complement: PGAP3 is on the minus strand). VCF-style: chr17-39673576-A-T. GRCh37 (hg19) VCF-style: chr17-37829829-A-T.
Other names: c.632T>A (NM_033419.3); c.479T>A, p.Val160Asp (NM_001291726.2); c.569T>A, p.Val190Asp (NM_001291728.2); c.433-710T>A (NM_001291733.2); c.494+417T>A (NM_001291732.2); c.557+417T>A (NM_001291730.2); short protein forms V190D, V211D, V160D.
Identifiers: ClinVar variation 3696872 (VCV003696872.3).